The following is an entry in ClinVar:

NM_022124.6(CDH23):c.4672G>A (p.Gly1558Arg)

Gene: CDH23 (cadherin related 23; plus strand). Cytogenetic location: 10q22.1.
Variant type: single nucleotide variant.
Coding change: c.4672G>A on transcript NM_022124.6 (MANE Select); coding-DNA position 4672, G replaced by A.
Protein change: p.Gly1558Arg; replaces glycine 1558 with arginine.
Molecular consequence: missense variant.
Genome position (GRCh38, 1-based): chr10:71,741,748, G>A. VCF-style: chr10-71741748-G-A. GRCh37 (hg19) VCF-style: chr10-73501505-G-A.
Other names: short protein forms G1558R.
Identifiers: ClinVar variation 1377107 (VCV001377107.7), dbSNP rs760432842, ClinGen allele CA5545124.

ClinVar aggregate classification (germline): Uncertain significance (1 of 4 stars; one submission).

Allele frequency attached by ClinVar (database versions not stated): TOPMed below 0.00001; gnomAD 0.00001; gnomAD exomes 0.00001 and 0.00002; ExAC 0.00002.
gnomAD v4.1: 16 of 1,612,418 alleles (0.00099%); highest among the groups gnomAD compares: East Asian, 0.0067%; no homozygotes.

Submission:

Labcorp Genetics (formerly Invitae), Labcorp
Classification: Uncertain significance. Last evaluated: 2024-08-12. Review status: criteria provided, single submitter. Criteria: Invitae Variant Classification Sherloc (09022015). Collection method: clinical testing. Allele origin: germline.
Comment: This sequence change replaces glycine, which is neutral and non-polar, with arginine, which is basic and polar, at codon 1558 of the CDH23 protein (p.Gly1558Arg). This variant is present in population databases (rs760432842, gnomAD 0.01%). This missense change has been observed in individual(s) with non-syndromic deafness (PMID: 35020051). ClinVar contains an entry for this variant (Variation ID: 1377107). Advanced modeling of protein sequence and biophysical properties (such as structural, functional, and spatial information, amino acid conservation, physicochemical variation, residue mobility, and thermodynamic stability) has been performed at Invitae for this missense variant, however the output from this modeling did not meet the statistical confidence thresholds required to predict the impact of this variant on CDH23 protein function. In summary, the available evidence is currently insufficient to determine the role of this variant in disease. Therefore, it has been classified as a Variant of Uncertain Significance.

Literature cited by the submitters: PubMed 35020051.